The following is an entry in ClinVar:

ClinVar aggregate classification (germline): Pathogenic (1 of 4 stars; one submission).

Conditions:
GTP cyclohydrolase I deficiency. Identifiers: MedGen C0268467, MONDO:0100184.
Dystonia 5 (DRD). Also called: GTP Cyclohydrolase 1-Deficient Dopa-Responsive Dystonia; DYT-GCH1; Dystonia, DOPA-responsive, with or without hyperphenylalaninemia; DYSTONIA, PROGRESSIVE, WITH DIURNAL VARIATION; DYSTONIA-PARKINSONISM WITH DIURNAL FLUCTUATION. Identifiers: Orphanet 98808, MedGen C1851920, MONDO:0007495, OMIM 128230.

Submission:

Labcorp Genetics (formerly Invitae), Labcorp
Classification: Pathogenic for GTP cyclohydrolase I deficiency; Dystonia 5. Last evaluated: 2023-06-19. Review status: criteria provided, single submitter. Criteria: Invitae Variant Classification Sherloc (09022015). Collection method: clinical testing. Allele origin: germline.
Comment: A similar copy number variant has been observed in individuals with dopa-responsive dystonia (PMID: 12473771, 26400349). This variant is a gross deletion of the genomic region encompassing exon(s) 1 of the GCH1 gene, which includes the initiator codon. This deletion extends beyond the assayed region for this gene and therefore may encompass additional genes. It is expected to result in an absent or disrupted protein product. Loss-of-function variants in GCH1 are known to be pathogenic (PMID: 9667588, 19332422, 19491146, 25557619). For these reasons, this variant has been classified as Pathogenic.

Literature cited by the submitters: PubMed 12473771; PubMed 26400349; PubMed 9667588; PubMed 19332422; PubMed 19491146; PubMed 25557619.

NC_000014.8:g.(?_55369019)_(55369381_?)del

Gene: GCH1 (GTP cyclohydrolase 1; minus strand). Cytogenetic location: 14q22.2.
Variant type: Deletion.
Identifiers: ClinVar variation 1460271 (VCV001460271.5).